The following is an entry in ClinVar:

ClinVar aggregate classification (germline): Likely pathogenic (1 of 4 stars; one submission).

Conditions:
Childhood-onset schizophrenia. Also called: Childhood schizophrenia. Identifiers: Orphanet 641496, MedGen C0036346, MONDO:0957430.

Allele frequency attached by ClinVar (database versions not stated): gnomAD exomes below 0.00001.
gnomAD v4.1: 1 of 1,612,674 alleles (0.000062%); no homozygotes.

Submission:

Dr. Guy Rouleau's laboratory, McGill University
Classification: Likely pathogenic for Childhood Onset Schizophrenia. Last evaluated: 2014-01-01. Review status: criteria provided, single submitter. Criteria: Submitter's publication. Collection method: research. Allele origin: de novo. Affected: yes. Observed: 1 variant allele.
Comment: COS with PDD NOS, Asperger's Disorder, Separation Anxiety Disorder

Identified by next generation sequencing and validated by Sanger sequencing

NM_002402.4(MEST):c.559C>T (p.Pro187Ser)

Gene: MEST (mesoderm specific transcript; plus strand). Cytogenetic location: 7q32.2.
Variant type: single nucleotide variant.
Coding change: c.559C>T on transcript NM_002402.4 (MANE Select); coding-DNA position 559, C replaced by T.
Protein change: p.Pro187Ser; replaces proline 187 with serine.
Molecular consequence: missense variant.
Genome position (GRCh38, 1-based): chr7:130,499,898, C>T. VCF-style: chr7-130499898-C-T. GRCh37 (hg19) VCF-style: chr7-130139739-C-T.
Other names: c.517C>T, p.Pro173Ser (NM_001253900.1); c.532C>T, p.Pro178Ser (NM_001253901.1, NM_001253902.1, NM_177524.2 and 1 more transcripts); short protein forms P178S, P187S, P173S.
Identifiers: ClinVar variation 208394 (VCV000208394.3), dbSNP rs863223353, ClinGen allele CA279847.